The following is an entry in ClinVar:

NM_005751.5(AKAP9):c.9451C>G (p.Gln3151Glu)

Gene: AKAP9 (A-kinase anchoring protein 9; plus strand). Cytogenetic location: 7q21.2.
Variant type: single nucleotide variant.
Coding change: c.9451C>G on transcript NM_005751.5 (MANE Select); coding-DNA position 9451, C replaced by G.
Protein change: p.Gln3151Glu; replaces glutamine 3151 with glutamic acid.
Molecular consequence: missense variant.
Genome position (GRCh38, 1-based): chr7:92,093,189, C>G. VCF-style: chr7-92093189-C-G. GRCh37 (hg19) VCF-style: chr7-91722503-C-G.
Other names: c.9427C>G, p.Gln3143Glu (NM_147185.3); c.4096C>G, p.Gln1366Glu (NM_001379277.1); short protein forms Q3151E, Q3143E, Q1366E.
Identifiers: ClinVar variation 4613392 (VCV004613392.1).
Genomic context (GRCh38, chr7:92,093,189, plus strand): 5'-TCTCAAATGCTGGAGATGCAAGTGGAGCTCAGCAGTATGAAAGACAGAGCAACGGAACTG[C>G]AGGAGCAGCTGAGTTCTGAGAAAATGGTGGTTGCTGAACTGAAGAGTGAGCTTGCACAAA-3'
Protein context (NP_005742.4, residues 3141-3161): SSMKDRATEL[Gln3151Glu]EQLSSEKMVV

ClinVar aggregate classification (germline): Uncertain significance (1 of 4 stars; one submission).

Conditions:
Cardiovascular phenotype. Identifiers: MedGen CN230736.

Submission:

Ambry Genetics
Classification: Uncertain significance for Cardiovascular phenotype. Last evaluated: 2025-10-11. Review status: criteria provided, single submitter. Criteria: Ambry Variant Classification Scheme 2023. Collection method: clinical testing. Allele origin: germline.
Comment: The p.Q3151E variant (also known as c.9451C>G), located in coding exon 39 of the AKAP9 gene, results from a C to G substitution at nucleotide position 9451. The glutamine at codon 3151 is replaced by glutamic acid, an amino acid with highly similar properties. This amino acid position is conserved. In addition, this alteration is predicted to be tolerated by in silico analysis. Based on the available evidence, the clinical significance of this variant remains unclear.